The following is an entry in ClinVar:

ClinVar aggregate classification (germline): Likely pathogenic (1 of 4 stars; one submission).

gnomAD v4.1: 3 of 1,614,084 alleles (0.00019%); highest among the groups gnomAD compares: South Asian, 0.0022%; no homozygotes.

Submission:

Labcorp Genetics (formerly Invitae), Labcorp
Classification: Likely pathogenic. Last evaluated: 2024-10-08. Review status: criteria provided, single submitter. Criteria: Invitae Variant Classification Sherloc (09022015). Collection method: clinical testing. Allele origin: germline.
Comment: This sequence change affects a donor splice site in intron 12 of the MTHFD1 gene. It is expected to disrupt RNA splicing. Variants that disrupt the donor or acceptor splice site typically lead to a loss of protein function (PMID: 16199547), and loss-of-function variants in MTHFD1 are known to be pathogenic (PMID: 21813566, 25633902). This variant is present in population databases (rs781218221, gnomAD 0.003%). This variant has not been reported in the literature in individuals affected with MTHFD1-related conditions. Algorithms developed to predict the effect of sequence changes on RNA splicing suggest that this variant may disrupt the consensus splice site. In summary, the currently available evidence indicates that the variant is pathogenic, but additional data are needed to prove that conclusively. Therefore, this variant has been classified as Likely Pathogenic.

Literature cited by the submitters: PubMed 16199547; PubMed 21813566; PubMed 25633902.

NM_005956.4(MTHFD1):c.1264+1G>A

Gene: MTHFD1 (methylenetetrahydrofolate dehydrogenase, cyclohydrolase and formyltetrahydrofolate synthetase 1; plus strand). Cytogenetic location: 14q23.3.
Variant type: single nucleotide variant.
Coding change: c.1264+1G>A on transcript NM_005956.4 (MANE Select); the canonical splice donor site of the intron after coding-DNA position 1264, G replaced by A.
Molecular consequence: splice donor variant.
Genome position (GRCh38, 1-based): chr14:64,427,474, G>A. VCF-style: chr14-64427474-G-A. GRCh37 (hg19) VCF-style: chr14-64894192-G-A.
Other names: c.1264+1G>A (NM_001364837.1).
Identifiers: ClinVar variation 3648561 (VCV003648561.2).